The following is an entry in ClinVar:

ClinVar aggregate classification (germline): Uncertain significance. Review status: criteria provided, multiple submitters, no conflicts (2 of 4 stars). 3 submissions from 3 submitters: Uncertain significance (3). Last evaluated 2025-07-08.

Conditions:
Alstrom syndrome (ALMS). Identifiers: Orphanet 64, MedGen C0268425, MONDO:0008763, OMIM 203800.

Allele frequency attached by ClinVar (database versions not stated): 1000 Genomes Project 30x 0.00016.
gnomAD v4.1: 10 of 1,613,474 alleles (0.00062%); highest among the groups gnomAD compares: Admixed American, 0.0033%; no homozygotes.

Submissions (3):

GeneDx
Classification: Uncertain significance. Last evaluated: 2025-07-08. Review status: criteria provided, single submitter. Criteria: GeneDx Variant Classification Process June 2021. Collection method: clinical testing. Allele origin: germline. Affected: yes.
Comment: Not observed at significant frequency in large population cohorts (gnomAD); In silico analysis suggests that this missense variant does not alter protein structure/function; Has not been previously published as pathogenic or benign to our knowledge

Labcorp Genetics (formerly Invitae), Labcorp
Classification: Uncertain significance for Alstrom syndrome. Last evaluated: 2024-01-02. Review status: criteria provided, single submitter. Criteria: Invitae Variant Classification Sherloc (09022015). Collection method: clinical testing. Allele origin: germline.
Comment: This sequence change replaces arginine, which is basic and polar, with histidine, which is basic and polar, at codon 2286 of the ALMS1 protein (p.Arg2286His). This variant is present in population databases (rs6546839, gnomAD 0.003%). This variant has not been reported in the literature in individuals affected with ALMS1-related conditions. ClinVar contains an entry for this variant (Variation ID: 1364053). Experimental studies and prediction algorithms are not available or were not evaluated, and the functional significance of this variant is currently unknown. In summary, the available evidence is currently insufficient to determine the role of this variant in disease. Therefore, it has been classified as a Variant of Uncertain Significance.

Fulgent Genetics
Classification: Uncertain significance for Alstrom syndrome. Last evaluated: 2021-07-01. Review status: criteria provided, single submitter. Criteria: ACMG Guidelines, 2015. Collection method: clinical testing. Allele origin: unknown.

NM_001378454.1(ALMS1):c.6854G>A (p.Arg2285His)

Gene: ALMS1 (ALMS1 centrosome and basal body associated protein; plus strand). Cytogenetic location: 2p13.1.
Variant type: single nucleotide variant.
Coding change: c.6854G>A on transcript NM_001378454.1 (MANE Select); coding-DNA position 6854, G replaced by A.
Protein change: p.Arg2285His; replaces arginine 2285 with histidine.
Molecular consequence: missense variant.
Genome position (GRCh38, 1-based): chr2:73,453,381, G>A. VCF-style: chr2-73453381-G-A. GRCh37 (hg19) VCF-style: chr2-73680508-G-A.
Other names: c.6857G>A, p.Arg2286His (NM_015120.4); short protein forms R2285H, R2286H.
Identifiers: ClinVar variation 1364053 (VCV001364053.6), dbSNP rs6546839, ClinGen allele CA1714139.